The following is an entry in ClinVar:

NM_170606.3(KMT2C):c.4782T>C (p.Tyr1594=)

Gene: KMT2C (lysine methyltransferase 2C; minus strand). Cytogenetic location: 7q36.1.
Variant type: single nucleotide variant.
Coding change: c.4782T>C on transcript NM_170606.3 (MANE Select); coding-DNA position 4782, T replaced by C.
Protein change: p.Tyr1594=; no amino-acid change (tyrosine 1594 retained).
Molecular consequence: synonymous variant.
Genome position (GRCh38, 1-based): chr7:152,187,726, A>G on the plus strand (T>C on the coding strand, the complement: KMT2C is on the minus strand). VCF-style: chr7-152187726-A-G. GRCh37 (hg19) VCF-style: chr7-151884811-A-G.
Identifiers: ClinVar variation 2658223 (VCV002658223.24), dbSNP rs756219907, ClinGen allele CA4580431.
Genomic context (GRCh38, chr7:152,187,726, plus strand): 5'-AAACAGAAATTAGTGCAATTTAAGTTTCCATAGAAAATAAGGCTTGTACCTGGCATCAGG[A>G]TAAGAGGATTGTGCAATTGCAGAGAAAGTTCCCAGTCCGCTTCCAGGTGGCAAAGAATTA-3'
Protein context (NP_733751.2, residues 1584-1604): GTFSAIAQSS[Tyr1594=]PDARDKNSAF

ClinVar aggregate classification (germline): Likely benign (1 of 4 stars; one submission).

Allele frequency attached by ClinVar (database versions not stated): TOPMed below 0.00001; ExAC 0.00001; gnomAD 0.00001; gnomAD exomes 0.00001.
gnomAD v4.1: 16 of 1,613,978 alleles (0.00099%); highest among the groups gnomAD compares: Non-Finnish European, 0.0014%; no homozygotes.

Submission:

CeGaT Center for Human Genetics Tuebingen
Classification: Likely benign. Last evaluated: 2022-08-01. Review status: criteria provided, single submitter. Criteria: CeGaT Center For Human Genetics Tuebingen Variant Classification Criteria Version 2. Collection method: clinical testing. Allele origin: germline. Affected: yes. Observed: 1 variant allele.
Comment: KMT2C: BP4, BP7